The following is an entry in ClinVar:

NM_001099922.3(ALG13):c.3088C>A (p.Pro1030Thr)

Gene: ALG13 (ALG13 UDP-N-acetylglucosaminyltransferase subunit; plus strand). Cytogenetic location: Xq23.
Variant type: single nucleotide variant.
Coding change: c.3088C>A on transcript NM_001099922.3 (MANE Select); coding-DNA position 3088, C replaced by A.
Protein change: p.Pro1030Thr; replaces proline 1030 with threonine.
Molecular consequence: missense variant. On other transcripts: non-coding transcript variant (1).
Genome position (GRCh38, 1-based): chrX:111,757,702, C>A. VCF-style: chrX-111757702-C-A. GRCh37 (hg19) VCF-style: chrX-111000930-C-A.
Other names: c.2539C>A, p.Pro847Thr (NM_001257230.2, NM_001257234.2, NM_001257237.2); c.2854C>A, p.Pro952Thr (NM_001257231.2); c.2851C>A, p.Pro951Thr (NM_001324292.2); c.2365C>A, p.Pro789Thr (NM_001324293.1); short protein forms P952T, P789T, P847T, P1030T, P951T.
Identifiers: ClinVar variation 1354087 (VCV001354087.8), dbSNP rs1156871693, ClinGen allele CA414292737.

ClinVar aggregate classification (germline): Uncertain significance (1 of 4 stars; one submission).

Conditions:
Developmental and epileptic encephalopathy, 36 (DEE36). Also called: ALG13-CDG; Congenital disorder of glycosylation, type Is; Epileptic encephalopathy, early infantile, 36. Identifiers: Orphanet 324422, MedGen C4317295, MONDO:0010472, OMIM 300884.

Allele frequency attached by ClinVar (database versions not stated): gnomAD exomes below 0.00001.
gnomAD v4.1: 1 of 1,210,397 alleles (0.000083%); highest among the groups gnomAD compares: Admixed American, 0.0022%; no homozygotes.

Submission:

Labcorp Genetics (formerly Invitae), Labcorp
Classification: Uncertain significance for Developmental and epileptic encephalopathy, 36. Last evaluated: 2022-11-08. Review status: criteria provided, single submitter. Criteria: Invitae Variant Classification Sherloc (09022015). Collection method: clinical testing. Allele origin: germline.
Comment: In summary, the available evidence is currently insufficient to determine the role of this variant in disease. Therefore, it has been classified as a Variant of Uncertain Significance. Algorithms developed to predict the effect of missense changes on protein structure and function are either unavailable or do not agree on the potential impact of this missense change (SIFT: "Deleterious"; PolyPhen-2: "Probably Damaging"; Align-GVGD: "Class C0"). ClinVar contains an entry for this variant (Variation ID: 1354087). This variant has not been reported in the literature in individuals affected with ALG13-related conditions. This variant is present in population databases (no rsID available, gnomAD 0.004%). This sequence change replaces proline, which is neutral and non-polar, with threonine, which is neutral and polar, at codon 1030 of the ALG13 protein (p.Pro1030Thr).